The following is an entry in ClinVar:

NM_001267550.2(TTN):c.48119del (p.Arg16040fs)

Genes: TTN (titin; minus strand), TTN-AS1 (TTN antisense RNA 1; plus strand). Cytogenetic location: 2q31.2.
Variant type: Deletion.
Coding change: c.48119del on transcript NM_001267550.2 (MANE Select); coding-DNA position 48119, one base deleted (G; older notation c.48119delG).
Protein change: p.Arg16040fs; shifts the reading frame from arginine 16040.
Molecular consequence: frameshift variant.
Genome position (GRCh38, 1-based): chr2:178,616,770, C deleted on the plus strand (G on the coding strand, the reverse complement: TTN is on the minus strand). VCF-style (leftmost placement, unchanged base first): chr2-178616769-AC-A. GRCh37 (hg19) VCF-style: chr2-179481496-AC-A.
Other names: c.43196del, p.Arg14399fs (NM_001256850.1); c.20924del, p.Arg6975fs (NM_003319.4); c.40415del, p.Arg13472fs (NM_133378.4); c.21299del, p.Arg7100fs (NM_133432.3); c.21500del, p.Arg7167fs (NM_133437.4); c.20924delG (NM_003319.4); short protein forms R13472fs, R14399fs, R16040fs, R7100fs, R7167fs, R6975fs.
Identifiers: ClinVar variation 2451910 (VCV002451910.2), dbSNP rs2470818301, ClinGen allele CA2580065339.
Genomic context (GRCh38, chr2:178,616,769, plus strand): 5'-ATAAATGTTTTGTTCCTTACCAATTACATTGACATCAATTTCCCCAGAAATTGTTTTCAC[AC>A]GGTTTTCTAATTTCAGTGTATAAATGCCCTTGTCTGAACGTTCACTTGGAGAAATGACAA-3'

ClinVar aggregate classification (germline): Likely pathogenic (1 of 4 stars; one submission).

Conditions:
Cardiovascular phenotype. Identifiers: MedGen CN230736.

Submission:

Ambry Genetics
Classification: Likely pathogenic for Cardiovascular phenotype. Last evaluated: 2023-01-30. Review status: criteria provided, single submitter. Criteria: Ambry Variant Classification Scheme 2023. Collection method: clinical testing. Allele origin: germline.
Comment: The c.20924delG variant, located in coding exon 83 of the TTN gene, results from a deletion of one nucleotide at nucleotide position 20924, causing a translational frameshift with a predicted alternate stop codon (p.R6975Lfs*2). This exon is located in the A-band region of the N2-B isoform of the titin protein and is constitutively expressed in TTN transcripts (percent spliced in or PSI 100%). This variant is considered to be rare based on population cohorts in the Genome Aggregation Database (gnomAD). This alteration is expected to result in loss of function by premature protein truncation or nonsense-mediated mRNA decay. While truncating variants in TTN are present in 1-3% of the general population, truncating variants in the A-band are the most common cause of dilated cardiomyopathy (DCM) (Herman DS et al. N. Engl. J. Med., 2012 Feb;366:619-28; Roberts AM et al. Sci Transl Med, 2015 Jan;7:270ra6). TTN truncating variants encoded in constitutive exons (PSI >90%) have been found to be significantly associated with DCM regardless of their position in titin (Schafer S et al. Nat. Genet., 2017 01;49:46-53). Based on the majority of available evidence to date, this variant is likely to be pathogenic.